The following is an entry in ClinVar:

ClinVar aggregate classification (germline): Uncertain significance (1 of 4 stars; one submission).

Conditions:
Ataxia-telangiectasia syndrome (AT). Also called: Ataxia-telangiectasia, complementation group D; AT, COMPLEMENTATION GROUP C; ATAXIA-TELANGIECTASIA, COMPLEMENTATION GROUP A; ATAXIA-TELANGIECTASIA, FRESNO VARIANT; Ataxia-telangiectasia; Ataxia telangiectasia (A-T). Identifiers: Orphanet 100, MedGen C0004135, MONDO:0008840, OMIM 208900.

Allele frequency attached by ClinVar (database versions not stated): gnomAD exomes below 0.00001.
gnomAD v4.1: 1 of 1,601,788 alleles (0.000062%); highest among the groups gnomAD compares: Non-Finnish European, 0.000085%; no homozygotes.

Submission:

Labcorp Genetics (formerly Invitae), Labcorp
Classification: Uncertain significance for Ataxia-telangiectasia syndrome. Last evaluated: 2024-08-17. Review status: criteria provided, single submitter. Criteria: Invitae Variant Classification Sherloc (09022015). Collection method: clinical testing. Allele origin: germline.
Comment: This sequence change replaces serine, which is neutral and polar, with arginine, which is basic and polar, at codon 2116 of the ATM protein (p.Ser2116Arg). This variant is not present in population databases (gnomAD no frequency). This variant has not been reported in the literature in individuals affected with ATM-related conditions. ClinVar contains an entry for this variant (Variation ID: 949426). An algorithm developed to predict the effect of missense changes on protein structure and function outputs the following: PolyPhen-2: "Benign". The arginine amino acid residue is found in multiple mammalian species, which suggests that this missense change does not adversely affect protein function. In summary, the available evidence is currently insufficient to determine the role of this variant in disease. Therefore, it has been classified as a Variant of Uncertain Significance.

NM_000051.4(ATM):c.6346A>C (p.Ser2116Arg)

Genes: ATM (ATM serine/threonine kinase; plus strand), C11orf65 (chromosome 11 open reading frame 65; minus strand). Cytogenetic location: 11q22.3.
Variant type: single nucleotide variant.
Coding change: c.6346A>C on transcript NM_000051.4 (MANE Select); coding-DNA position 6346, A replaced by C.
Protein change: p.Ser2116Arg; replaces serine 2116 with arginine.
Molecular consequence: missense variant. On other transcripts: intron variant (2).
Genome position (GRCh38, 1-based): chr11:108,317,520, A>C. VCF-style: chr11-108317520-A-C. GRCh37 (hg19) VCF-style: chr11-108188247-A-C.
Other names: c.6346A>C, p.Ser2116Arg (NM_001351834.2); c.641-8449T>G (NM_001330368.2); c.*39-8449T>G (NM_001351110.2); short protein forms S2116R.
Identifiers: ClinVar variation 949426 (VCV000949426.10), dbSNP rs2084794474, ClinGen allele CA382552346.